The following is an entry in ClinVar:

ClinVar aggregate classification (germline): Uncertain significance (1 of 4 stars; one submission).

Submission:

GeneDx
Classification: Uncertain significance. Last evaluated: 2024-09-10. Review status: criteria provided, single submitter. Criteria: GeneDx Variant Classification Process June 2021. Collection method: clinical testing. Allele origin: germline. Affected: yes.
Comment: Not observed at significant frequency in large population cohorts (gnomAD); In silico analysis supports that this missense variant has a deleterious effect on protein structure/function; Has not been previously published as pathogenic or benign to our knowledge

NM_000937.5(POLR2A):c.3637C>G (p.Arg1213Gly)

Gene: POLR2A (RNA polymerase II subunit A; plus strand). Cytogenetic location: 17p13.1.
Variant type: single nucleotide variant.
Coding change: c.3637C>G on transcript NM_000937.5 (MANE Select); coding-DNA position 3637, C replaced by G.
Protein change: p.Arg1213Gly; replaces arginine 1213 with glycine.
Molecular consequence: missense variant.
Genome position (GRCh38, 1-based): chr17:7,509,115, C>G. VCF-style: chr17-7509115-C-G. GRCh37 (hg19) VCF-style: chr17-7412434-C-G.
Other names: short protein forms R1213G.
Identifiers: ClinVar variation 3767517 (VCV003767517.1).